The following is an entry in ClinVar:

ClinVar aggregate classification (germline): Likely benign. Review status: criteria provided, single submitter (1 of 4 stars). 2 submissions from 2 submitters: Likely benign (1). 1 of the submissions does not count toward it. Last evaluated 2022-10-17.

Conditions:
Meckel-Gruber syndrome. Also called: Dysencephalia splachnocystica; GRUBER SYNDROME; DYSENCEPHALIA SPLANCHNOCYSTICA. Identifiers: Orphanet 564, MedGen C0265215, MONDO:0018921.
Joubert syndrome. Also called: Familial aplasia of the vermis; JOUBERT-BOLTSHAUSER SYNDROME. Identifiers: Orphanet 475, MedGen C5979921, MONDO:0018772.
MKS1-related disorder. Also called: MKS1-related condition; MKS1-related disorders. Identifiers: MedGen CN239382.

gnomAD v4.1: 6 of 1,614,150 alleles (0.00037%); highest among the groups gnomAD compares: Non-Finnish European, 0.00051%; no homozygotes.

Submissions (2):

Labcorp Genetics (formerly Invitae), Labcorp
Classification: Likely benign for Joubert syndrome; Meckel-Gruber syndrome. Last evaluated: 2022-10-17. Review status: criteria provided, single submitter. Criteria: Invitae Variant Classification Sherloc (09022015). Collection method: clinical testing. Allele origin: germline.

PreventionGenetics, part of Exact Sciences
Classification: Likely benign for MKS1-related condition. Last evaluated: 2022-08-03. Review status: no assertion criteria provided. Collection method: clinical testing. Allele origin: germline. Not counted in ClinVar's aggregate classification.
Comment: This variant is classified as likely benign based on ACMG/AMP sequence variant interpretation guidelines (Richards et al. 2015 PMID: 25741868, with internal and published modifications).

NM_017777.4(MKS1):c.792G>T (p.Thr264=)

Gene: MKS1 (MKS transition zone complex subunit 1; minus strand). Cytogenetic location: 17q22.
Variant type: single nucleotide variant.
Coding change: c.792G>T on transcript NM_017777.4 (MANE Select); coding-DNA position 792, G replaced by T.
Protein change: p.Thr264=; no amino-acid change (threonine 264 retained).
Molecular consequence: synonymous variant.
Genome position (GRCh38, 1-based): chr17:58,213,048, C>A on the plus strand (G>T on the coding strand, the complement: MKS1 is on the minus strand). VCF-style: chr17-58213048-C-A. GRCh37 (hg19) VCF-style: chr17-56290409-C-A.
Other names: c.183G>T, p.Thr61= (NM_001321268.2); c.792G>T, p.Thr264= (NM_001321269.2, NM_001330397.2); c.792G>T (NM_017777.3).
Identifiers: ClinVar variation 1092342 (VCV001092342.10), dbSNP rs1272905094, ClinGen allele CA501032380.
Genomic context (GRCh38, chr17:58,213,048, plus strand): 5'-GAACACTCGCCGTTCCCGCTCCTCCTCCTCCGGCTGTGCGTGGGGGGAAACATTGTCGAT[C>A]GTATATTTCCACAGCTCCTGCTTCTCCCCCTCCGTCTCAATCCTGTAAGGTCAAAACCAC-3'
Protein context (NP_060247.2, residues 254-274): EGEKQELWKY[Thr264=]IDNVSPHAQP